The following is an entry in ClinVar:

ClinVar aggregate classification (germline): Uncertain significance (1 of 4 stars; one submission).

Conditions:
Combined immunodeficiency with skin granulomas. Identifiers: Orphanet 157949, MedGen C2673536, MONDO:0009306, OMIM 233650.
Severe combined immunodeficiency, autosomal recessive, T cell-negative, B cell-negative, NK cell-positive. Also called: SCID, AR, T-cell negative, B-cell negative, NK cell-positive; SCID, T CELL-NEGATIVE, B CELL-NEGATIVE, NK CELL-POSITIVE; Severe combined immunodeficiency due to complete RAG1/2 deficiency. Identifiers: Orphanet 331206, MedGen C1832322, MONDO:0011086, OMIM 601457.

Submission:

Labcorp Genetics (formerly Invitae), Labcorp
Classification: Uncertain significance for Combined immunodeficiency with skin granulomas; Severe combined immunodeficiency, autosomal recessive, T cell-negative, B cell-negative, NK cell-positive. Last evaluated: 2025-03-18. Review status: criteria provided, single submitter. Criteria: Invitae Variant Classification Sherloc (09022015). Collection method: clinical testing. Allele origin: germline.
Comment: This sequence change replaces leucine, which is neutral and non-polar, with arginine, which is basic and polar, at codon 224 of the RAG2 protein (p.Leu224Arg). This variant is not present in population databases (gnomAD no frequency). This variant has not been reported in the literature in individuals affected with RAG2-related conditions. ClinVar contains an entry for this variant (Variation ID: 2113618). Invitae Evidence Modeling of protein sequence and biophysical properties (such as structural, functional, and spatial information, amino acid conservation, physicochemical variation, residue mobility, and thermodynamic stability) has been performed for this missense variant. However, the output from this modeling did not meet the statistical confidence thresholds required to predict the impact of this variant on RAG2 protein function. In summary, the available evidence is currently insufficient to determine the role of this variant in disease. Therefore, it has been classified as a Variant of Uncertain Significance.

NM_000536.4(RAG2):c.671T>G (p.Leu224Arg)

Gene: RAG2 (recombination activating 2; minus strand). Cytogenetic location: 11p12.
Variant type: single nucleotide variant.
Coding change: c.671T>G on transcript NM_000536.4 (MANE Select); coding-DNA position 671, T replaced by G.
Protein change: p.Leu224Arg; replaces leucine 224 with arginine.
Molecular consequence: missense variant.
Genome position (GRCh38, 1-based): chr11:36,593,498, A>C on the plus strand (T>G on the coding strand, the complement: RAG2 is on the minus strand). VCF-style: chr11-36593498-A-C. GRCh37 (hg19) VCF-style: chr11-36615048-A-C.
Other names: c.671T>G, p.Leu224Arg (NM_001243785.2, NM_001243786.2); short protein forms L224R.
Identifiers: ClinVar variation 2113618 (VCV002113618.4), dbSNP rs2494794376, ClinGen allele CA380142350.
Genomic context (GRCh38, chr11:36,593,498, plus strand): 5'-CTACCCAGGGGAAGATCAACCCTTATTCTGTACAGGTTGGCAGGCCGGATATTATTGGCA[A>C]GTGAATGTCCTCCTAAAATATAGATGGTGTCATTTTTGGCAATAGAGACATGAAAAGATA-3'
Protein context (NP_000527.2, residues 214-234): DTIYILGGHS[Leu224Arg]ANNIRPANLY